The following is an entry in ClinVar:

NM_001367624.2(ZNF469):c.8646_8647del (p.Cys2882_Glu2883delinsTer)

Gene: ZNF469 (zinc finger protein 469; plus strand). Cytogenetic location: 16q24.2.
Variant type: Microsatellite.
Coding change: c.8646_8647del on transcript NM_001367624.2 (MANE Select); coding-DNA positions 8646 to 8647, 2 bases deleted (TG; older notation c.8646_8647delTG).
Protein change: p.Cys2882_Glu2883delinsTer.
Molecular consequence: nonsense.
Genome position (GRCh38, 1-based): chr16:88,436,116-88,436,117, TG deleted; deleting any 2 consecutive bases within chr16:88,436,114-88,436,117 gives the same sequence; the c. name uses the placement nearest the transcript's 3' end. VCF-style (leftmost placement, unchanged base first): chr16-88436113-CTG-C. GRCh37 (hg19) VCF-style: chr16-88502521-CTG-C.
Identifiers: ClinVar variation 3645182 (VCV003645182.2).

ClinVar aggregate classification (germline): Pathogenic (1 of 4 stars; one submission).

Submission:

Labcorp Genetics (formerly Invitae), Labcorp
Classification: Pathogenic. Last evaluated: 2024-03-09. Review status: criteria provided, single submitter. Criteria: Invitae Variant Classification Sherloc (09022015). Collection method: clinical testing. Allele origin: germline.
Comment: This sequence change creates a premature translational stop signal (p.Cys2854*) in the ZNF469 gene. While this is not anticipated to result in nonsense mediated decay, it is expected to disrupt the last 1072 amino acid(s) of the ZNF469 protein. This variant is not present in population databases (gnomAD no frequency). This variant has not been reported in the literature in individuals affected with ZNF469-related conditions. This variant disrupts a region of the ZNF469 protein in which other variant(s) (p.Pro3556Glnfs*136) have been determined to be pathogenic (PMID: 32671420). This suggests that this is a clinically significant region of the protein, and that variants that disrupt it are likely to be disease-causing. For these reasons, this variant has been classified as Pathogenic.

Literature cited by the submitters: PubMed 32671420.